The following is an entry in ClinVar:

NM_001197104.2(KMT2A):c.188CGG[6] (p.Ala67dup)

Gene: KMT2A (lysine methyltransferase 2A; plus strand). Cytogenetic location: 11q23.3.
Variant type: Microsatellite.
Coding change: c.188CGG[6] on transcript NM_001197104.2 (MANE Select); six copies in a row of the 3-base unit CGG starting at c.188; the reference has five copies in a row; one copy, 3 bases duplicated.
Protein change: p.Ala67dup; duplicates alanine 67.
Molecular consequence: inframe insertion.
Genome position (GRCh38, 1-based): chr11:118,436,712-118,436,714, CGG duplicated; duplicating any 3 consecutive bases within chr11:118,436,699-118,436,714 gives the same sequence; the position shown is the placement nearest the transcript's 3' end. VCF-style (leftmost placement, unchanged base first): chr11-118436698-C-CGCG. GRCh37 (hg19) VCF-style: chr11-118307413-C-CGCG.
Other names: c.188CGG[6], p.Ala67dup (NM_005933.4); c.200_202dupCGG (NM_001197104.1).
Identifiers: ClinVar variation 1321796 (VCV001321796.33), dbSNP rs781936420, ClinGen allele CA6303199.

ClinVar aggregate classification (germline): Conflicting classifications of pathogenicity. Review status: criteria provided, conflicting classifications (1 of 4 stars). 5 submissions from 5 submitters: Uncertain significance (1); Likely benign (4). Last evaluated 2026-01-01.

Conditions:
Inborn genetic diseases. Identifiers: MedGen C0950123, MeSH D030342.

Submissions (5):

Labcorp Genetics (formerly Invitae), Labcorp
Classification: Uncertain significance. Last evaluated: 2026-01-01. Review status: criteria provided, single submitter. Criteria: Invitae Variant Classification Sherloc (09022015). Collection method: clinical testing. Allele origin: germline.
Comment: This variant, c.200_202dup, results in the insertion of 1 amino acid(s) of the KMT2A protein (p.Ala67dup), but otherwise preserves the integrity of the reading frame. This variant is present in population databases (rs782744154, gnomAD 0.03%). This variant has not been reported in the literature in individuals affected with KMT2A-related conditions. ClinVar contains an entry for this variant (Variation ID: 1321796). Experimental studies and prediction algorithms are not available or were not evaluated, and the functional significance of this variant is currently unknown. In summary, the available evidence is currently insufficient to determine the role of this variant in disease. Therefore, it has been classified as a Variant of Uncertain Significance.

Ambry Genetics
Classification: Likely benign for Inborn genetic diseases. Last evaluated: 2025-03-27. Review status: criteria provided, single submitter. Criteria: Ambry Variant Classification Scheme 2023. Collection method: clinical testing. Allele origin: germline.

Blueprint Genetics
Classification: Likely benign. Last evaluated: 2024-10-01. Review status: criteria provided, single submitter. Criteria: ACMG Guidelines, 2015. Collection method: clinical testing. Allele origin: germline.

CeGaT Center for Human Genetics Tuebingen
Classification: Likely benign. Last evaluated: 2022-07-01. Review status: criteria provided, single submitter. Criteria: CeGaT Center For Human Genetics Tuebingen Variant Classification Criteria Version 2. Collection method: clinical testing. Allele origin: germline. Affected: yes. Observed: 1 variant allele.
Comment: KMT2A: BS2

GeneDx
Classification: Likely benign. Last evaluated: 2021-12-07. Review status: criteria provided, single submitter. Criteria: GeneDx Variant Classification Process June 2021. Collection method: clinical testing. Allele origin: germline. Affected: yes.
Comment: In-frame insertion of 1 amino acids in a repetitive region with no known function; Has not been previously published as pathogenic or benign to our knowledge